The following is an entry in ClinVar:

NM_000393.5(COL5A2):c.2230-255T>C

Gene: COL5A2 (collagen type V alpha 2 chain; minus strand). Cytogenetic location: 2q32.2.
Variant type: single nucleotide variant.
Coding change: c.2230-255T>C on transcript NM_000393.5 (MANE Select); 255 bases into the intron before coding-DNA position 2230, T replaced by C.
Molecular consequence: intron variant.
Genome position (GRCh38, 1-based): chr2:189,057,682, A>G on the plus strand (T>C on the coding strand, the complement: COL5A2 is on the minus strand). VCF-style: chr2-189057682-A-G. GRCh37 (hg19) VCF-style: chr2-189922408-A-G.
Identifiers: ClinVar variation 675688 (VCV000675688.1), dbSNP rs115760110, ClinGen allele CA62599632.

ClinVar aggregate classification (germline): Likely benign (1 of 4 stars; one submission).

Allele frequency attached by ClinVar (database versions not stated): gnomAD 0.00925 and 0.01004; TOPMed 0.01054; 1000 Genomes Project 0.01138; 1000 Genomes Project 30x 0.01234.
gnomAD v4.1: 1,398 of 152,342 alleles (0.92%); highest among the groups gnomAD compares: African/African-American, 3.2%; 18 homozygotes.

Submission:

GeneDx
Classification: Likely benign. Last evaluated: 2018-06-14. Review status: criteria provided, single submitter. Criteria: GeneDx Variant Classification (06012015). Collection method: clinical testing. Allele origin: germline. Affected: yes.
Comment: This variant is considered likely benign or benign based on one or more of the following criteria: it is a conservative change, it occurs at a poorly conserved position in the protein, it is predicted to be benign by multiple in silico algorithms, and/or has population frequency not consistent with disease.